The following is an entry in ClinVar:

NM_000218.3(KCNQ1):c.839T>C (p.Val280Ala)

Gene: KCNQ1 (potassium voltage-gated channel subfamily Q member 1; plus strand). Cytogenetic location: 11p15.5.
Variant type: single nucleotide variant.
Coding change: c.839T>C on transcript NM_000218.3 (MANE Select); coding-DNA position 839, T replaced by C.
Protein change: p.Val280Ala; replaces valine 280 with alanine.
Molecular consequence: missense variant. On other transcripts: intron variant (1).
Genome position (GRCh38, 1-based): chr11:2,572,904, T>C. VCF-style: chr11-2572904-T-C. GRCh37 (hg19) VCF-style: chr11-2594134-T-C.
Other names: c.839T>C, p.Val280Ala (NM_001406836.1); c.569T>C, p.Val190Ala (NM_001406837.1); c.458T>C, p.Val153Ala (NM_181798.2); c.478-10531T>C (NM_001406838.1); short protein forms V153A, V190A, V280A.
Identifiers: ClinVar variation 2735505 (VCV002735505.3), dbSNP rs199473462, ClinGen allele CA379131479.

ClinVar aggregate classification (germline): Likely pathogenic (1 of 4 stars; one submission).

Conditions:
Long QT syndrome (LQTS). Identifiers: MedGen C0023976, MeSH D008133, MONDO:0002442. Disease mechanism: loss of function. Inheritance: Various modes of inheritance.

gnomAD v4.1: 1 of 1,613,850 alleles (0.000062%); highest among the groups gnomAD compares: Non-Finnish European, 0.000085%; no homozygotes.

Submission:

Labcorp Genetics (formerly Invitae), Labcorp
Classification: Likely pathogenic for Long QT syndrome. Last evaluated: 2023-02-17. Review status: criteria provided, single submitter. Criteria: Invitae Variant Classification Sherloc (09022015). Collection method: clinical testing. Allele origin: germline.
Comment: This sequence change replaces valine, which is neutral and non-polar, with alanine, which is neutral and non-polar, at codon 280 of the KCNQ1 protein (p.Val280Ala). This variant is not present in population databases (gnomAD no frequency). This missense change has been observed in individual(s) with clinical features of long QT syndrome (PMID: 26669661; Invitae). Advanced modeling of protein sequence and biophysical properties (such as structural, functional, and spatial information, amino acid conservation, physicochemical variation, residue mobility, and thermodynamic stability) performed at Invitae indicates that this missense variant is expected to disrupt KCNQ1 protein function. This variant disrupts the p.Val280 amino acid residue in KCNQ1. Other variant(s) that disrupt this residue have been determined to be pathogenic (PMID: 16414944, 19716085, 23158531). This suggests that this residue is clinically significant, and that variants that disrupt this residue are likely to be disease-causing. In summary, the currently available evidence indicates that the variant is pathogenic, but additional data are needed to prove that conclusively. Therefore, this variant has been classified as Likely Pathogenic.

Literature cited by the submitters: PubMed 26669661; PubMed 16414944; PubMed 19716085; PubMed 23158531.